The following is an entry in ClinVar:

ClinVar aggregate classification (germline): Uncertain significance (1 of 4 stars; one submission).

Conditions:
DICER1-related tumor predisposition. Also called: DICER1-related pleuropulmonary blastoma cancer predisposition syndrome; DICER1 syndrome. Identifiers: Orphanet 284343, MedGen C3839822, MONDO:0100216.

Submission:

Labcorp Genetics (formerly Invitae), Labcorp
Classification: Uncertain significance for DICER1-related tumor predisposition. Last evaluated: 2024-09-04. Review status: criteria provided, single submitter. Criteria: Invitae Variant Classification Sherloc (09022015). Collection method: clinical testing. Allele origin: germline.
Comment: This sequence change replaces histidine, which is basic and polar, with leucine, which is neutral and non-polar, at codon 289 of the DICER1 protein (p.His289Leu). This variant is not present in population databases (gnomAD no frequency). This variant has not been reported in the literature in individuals affected with DICER1-related conditions. Invitae Evidence Modeling of protein sequence and biophysical properties (such as structural, functional, and spatial information, amino acid conservation, physicochemical variation, residue mobility, and thermodynamic stability) indicates that this missense variant is not expected to disrupt DICER1 protein function with a negative predictive value of 80%. In summary, the available evidence is currently insufficient to determine the role of this variant in disease. Therefore, it has been classified as a Variant of Uncertain Significance.

NM_177438.3(DICER1):c.866A>T (p.His289Leu)

Gene: DICER1 (dicer 1, ribonuclease III; minus strand). Cytogenetic location: 14q32.13.
Variant type: single nucleotide variant.
Coding change: c.866A>T on transcript NM_177438.3 (MANE Select); coding-DNA position 866, A replaced by T.
Protein change: p.His289Leu; replaces histidine 289 with leucine.
Molecular consequence: missense variant. On other transcripts: 5 prime UTR variant (1), non-coding transcript variant (6).
Genome position (GRCh38, 1-based): chr14:95,126,617, T>A on the plus strand (A>T on the coding strand, the complement: DICER1 is on the minus strand). VCF-style: chr14-95126617-T-A. GRCh37 (hg19) VCF-style: chr14-95592954-T-A.
Other names: c.866A>T, p.His289Leu (NM_001195573.1, NM_001271282.3, NM_001291628.2 and 14 more transcripts); c.584A>T, p.His195Leu (NM_001395686.1); c.461A>T, p.His154Leu (NM_001395687.1, NM_001395688.1, NM_001395689.1 and 3 more transcripts); c.299A>T, p.His100Leu (NM_001395691.1); c.-703A>T (NM_001395697.1); short protein forms H154L, H100L, H289L, H195L.
Identifiers: ClinVar variation 3664455 (VCV003664455.2).